The following is an entry in ClinVar:

ClinVar aggregate classification (germline): Uncertain significance. Review status: criteria provided, multiple submitters, no conflicts (2 of 4 stars). 2 submissions from 2 submitters: Uncertain significance (2). Last evaluated 2025-02-25.

Conditions:
EGFR-related lung cancer (EGFR). Identifiers: MedGen CN130014.
Hereditary cancer-predisposing syndrome. Also called: Neoplastic Syndromes, Hereditary; Tumor predisposition; Hereditary neoplastic syndrome; Hereditary Cancer Syndrome. Identifiers: Orphanet 140162, MedGen C0027672, MeSH D009386, MONDO:0015356.

Submissions (2):

Ambry Genetics
Classification: Uncertain significance for Hereditary cancer-predisposing syndrome. Last evaluated: 2025-02-25. Review status: criteria provided, single submitter. Criteria: Ambry Variant Classification Scheme 2023. Collection method: clinical testing. Allele origin: germline.
Comment: The c.2367_2378dup12 variant (also known as p.I789_L792dup), located in coding exon 20 of the EGFR gene, results from an in-frame duplication of 12 nucleotides at nucleotide positions 2367 to 2378. This results in the duplication of 4 extra residues (ITQL) between codons 789 and 792. This amino acid region is well conserved in available vertebrate species. In addition, this alteration is predicted to be deleterious by in silico analysis (Choi Y et al. PLoS ONE. 2012; 7(10):e46688). Based on the available evidence, the clinical significance of this variant remains unclear.

Labcorp Genetics (formerly Invitae), Labcorp
Classification: Uncertain significance for EGFR-related lung cancer. Last evaluated: 2024-02-15. Review status: criteria provided, single submitter. Criteria: Invitae Variant Classification Sherloc (09022015). Collection method: clinical testing. Allele origin: germline.
Comment: This variant, c.2367_2378dup, results in the insertion of 4 amino acid(s) of the EGFR protein (p.Ile789_Leu792dup), but otherwise preserves the integrity of the reading frame. This variant is not present in population databases (gnomAD no frequency). This variant has not been reported in the literature in individuals affected with EGFR-related conditions. Experimental studies and prediction algorithms are not available or were not evaluated, and the functional significance of this variant is currently unknown. In summary, the available evidence is currently insufficient to determine the role of this variant in disease. Therefore, it has been classified as a Variant of Uncertain Significance.

NM_005228.5(EGFR):c.2367_2378dup (p.Leu792_Met793insIleThrGlnLeu)

Genes: EGFR (epidermal growth factor receptor; plus strand), EGFR-AS1 (EGFR antisense RNA 1; minus strand). Cytogenetic location: 7p11.2.
Variant type: Duplication.
Coding change: c.2367_2378dup on transcript NM_005228.5 (MANE Select); coding-DNA positions 2367 to 2378, 12 bases duplicated (CACGCAGCTCAT).
Protein change: p.Leu792_Met793insIleThrGlnLeu.
Molecular consequence: inframe insertion. On other transcripts: non-coding transcript variant (1).
Genome position (GRCh38, 1-based): chr7:55,181,376-55,181,387, CACGCAGCTCAT duplicated; duplicating any 12 consecutive bases within chr7:55,181,367-55,181,387 gives the same sequence; the c. name uses the placement nearest the transcript's 3' end. VCF-style (leftmost placement, unchanged base first): chr7-55181366-T-TGCAGCTCATCAC. GRCh37 (hg19) VCF-style: chr7-55249059-T-TGCAGCTCATCAC.
Other names: c.2232_2243dup, p.Leu747_Met748insIleThrGlnLeu (NM_001346897.2, NM_001346899.2); c.2367_2378dup, p.Leu792_Met793insIleThrGlnLeu (NM_001346898.2); c.2208_2219dup, p.Leu739_Met740insIleThrGlnLeu (NM_001346900.2); c.1566_1577dup, p.Leu525_Met526insIleThrGlnLeu (NM_001346941.2); c.2367_2378dupCACGCAGCTCAT (NM_005228.3).
Identifiers: ClinVar variation 2726732 (VCV002726732.4), dbSNP rs2534770247, ClinGen allele CA2697557280.